The following is an entry in ClinVar:

NM_004714.3(DYRK1B):c.1581A>G (p.Gln527=)

Gene: DYRK1B (dual specificity tyrosine phosphorylation regulated kinase 1B; minus strand). Cytogenetic location: 19q13.2.
Variant type: single nucleotide variant.
Coding change: c.1581A>G on transcript NM_004714.3 (MANE Select); coding-DNA position 1581, A replaced by G.
Protein change: p.Gln527=; no amino-acid change (glutamine 527 retained).
Molecular consequence: synonymous variant.
Genome position (GRCh38, 1-based): chr19:39,826,024, T>C on the plus strand (A>G on the coding strand, the complement: DYRK1B is on the minus strand). VCF-style: chr19-39826024-T-C. GRCh37 (hg19) VCF-style: chr19-40316664-T-C.
Other names: c.1461A>G, p.Gln487= (NM_006483.3); c.1497A>G, p.Gln499= (NM_006484.3).
Identifiers: ClinVar variation 4977606 (VCV004977606.1).

ClinVar aggregate classification (germline): Likely benign (1 of 4 stars; one submission).

Conditions:
DYRK1B-related disorder. Also called: DYRK1B-related condition.

gnomAD v4.1: 22 of 1,521,736 alleles (0.0014%); highest among the groups gnomAD compares: Non-Finnish European, 0.0018%; no homozygotes.

Submission:

PreventionGenetics, part of Exact Sciences
Classification: Likely benign for DYRK1B-related condition. Last evaluated: 2025-09-26. Review status: criteria provided, single submitter. Criteria: ACMG Guidelines, 2015. Collection method: clinical testing. Allele origin: germline.
Comment: This variant is classified as likely benign based on ACMG/AMP sequence variant interpretation guidelines (Richards et al. 2015 PMID: 25741868, with internal and published modifications).